The following is an entry in ClinVar:

ClinVar aggregate classification (germline): Uncertain significance (1 of 4 stars; one submission).

Allele frequency attached by ClinVar (database versions not stated): gnomAD exomes below 0.00001.
gnomAD v4.1: 1 of 1,614,090 alleles (0.000062%); highest among the groups gnomAD compares: Non-Finnish European, 0.000085%; no homozygotes.

Submission:

GeneDx
Classification: Uncertain significance. Last evaluated: 2026-07-19. Review status: criteria provided, single submitter. Criteria: GeneDx Variant Classification Process June 2021. Collection method: clinical testing. Allele origin: germline.
Comment: Not observed at significant frequency in large population cohorts (gnomAD); In silico analysis supports that this missense variant has a deleterious effect on protein structure/function; Has not been previously published as pathogenic or benign to our knowledge

NM_006133.3(DAGLA):c.881A>G (p.Tyr294Cys)

Gene: DAGLA (diacylglycerol lipase alpha; plus strand). Cytogenetic location: 11q12.2.
Variant type: single nucleotide variant.
Coding change: c.881A>G on transcript NM_006133.3 (MANE Select); coding-DNA position 881, A replaced by G.
Protein change: p.Tyr294Cys; replaces tyrosine 294 with cysteine.
Molecular consequence: missense variant.
Genome position (GRCh38, 1-based): chr11:61,731,348, A>G. VCF-style: chr11-61731348-A-G. GRCh37 (hg19) VCF-style: chr11-61498820-A-G.
Other names: short protein forms Y294C.
Identifiers: ClinVar variation 2504892 (VCV002504892.2), dbSNP rs2540738236, ClinGen allele CA380698853.
Genomic context (GRCh38, chr11:61,731,348, plus strand): 5'-GTGACCGCCCTCTGCCTCCTCTCTTCTAGCAAGAGATGCTCCGCTACAAAGAGGTCTGCT[A>G]CTACATGCTCTTTGCCCTGGCTGCCTACGGGTGGCCCATGTACCTGATGCGGAAGCCCGC-3'
Protein context (NP_006124.1, residues 284-304): QEMLRYKEVC[Tyr294Cys]YMLFALAAYG